The following is an entry in ClinVar:

ClinVar aggregate classification (germline): Uncertain significance (1 of 4 stars; one submission).

Submission:

GeneDx
Classification: Uncertain significance. Last evaluated: 2024-02-07. Review status: criteria provided, single submitter. Criteria: GeneDx Variant Classification Process June 2021. Collection method: clinical testing. Allele origin: germline. Affected: yes.
Comment: Not observed at significant frequency in large population cohorts (gnomAD); In silico analysis supports that this missense variant has a deleterious effect on protein structure/function; Has not been previously published as pathogenic or benign to our knowledge

NM_001135651.3(EIF2AK2):c.1259T>C (p.Ile420Thr)

Gene: EIF2AK2 (eukaryotic translation initiation factor 2 alpha kinase 2; minus strand). Cytogenetic location: 2p22.2.
Variant type: single nucleotide variant.
Coding change: c.1259T>C on transcript NM_001135651.3 (MANE Select); coding-DNA position 1259, T replaced by C.
Protein change: p.Ile420Thr; replaces isoleucine 420 with threonine.
Molecular consequence: missense variant.
Genome position (GRCh38, 1-based): chr2:37,114,849, A>G on the plus strand (T>C on the coding strand, the complement: EIF2AK2 is on the minus strand). VCF-style: chr2-37114849-A-G. GRCh37 (hg19) VCF-style: chr2-37341992-A-G.
Other names: c.1136T>C, p.Ile379Thr (NM_001135652.3); c.1259T>C, p.Ile420Thr (NM_002759.4); short protein forms I379T, I420T.
Identifiers: ClinVar variation 3368923 (VCV003368923.1).
Genomic context (GRCh38, chr2:37,114,849, plus strand): 5'-TTCAGAGATGTTACAAGTCCAAAGTCTCCAATCTTTACTTGTTTTGTATCTACTAAGAAT[A>G]TATTACTTGGCTATGAAAAAAAAAAATTTAACTTACATGTACCAACTTAACATACTATTA-3'
Protein context (NP_001129123.1, residues 410-430): LIHRDLKPSN[Ile420Thr]FLVDTKQVKI